The following is an entry in ClinVar:

ClinVar aggregate classification (germline): Likely pathogenic. Review status: criteria provided, multiple submitters, no conflicts (2 of 4 stars). 2 submissions from 2 submitters: Likely pathogenic (2). Last evaluated 2024-04-16.

Conditions:
Dilated cardiomyopathy 1G (CMD1G). Identifiers: Orphanet 154, MedGen C1858763, MONDO:0011400, OMIM 604145.
Autosomal recessive limb-girdle muscular dystrophy type 2J (LGMDR10). Also called: Limb-girdle muscular dystrophy, type 2J; MUSCULAR DYSTROPHY, LIMB-GIRDLE, AUTOSOMAL RECESSIVE 10. Identifiers: Orphanet 140922, MedGen C1837342, MONDO:0012127, OMIM 608807.
TTN-related disorder. Also called: TTN-related condition; TTN-related disease; TTN-related disorders.

Submissions (2):

Blueprint Genetics
Classification: Likely pathogenic for TTN-related disorders. Last evaluated: 2024-04-16. Review status: criteria provided, single submitter. Criteria: ACMG Guidelines, 2015. Collection method: clinical testing. Allele origin: germline. Affected: yes. Observed: 1 variant allele.

Labcorp Genetics (formerly Invitae), Labcorp
Classification: Likely pathogenic for Dilated cardiomyopathy 1G; Autosomal recessive limb-girdle muscular dystrophy type 2J. Last evaluated: 2023-08-11. Review status: criteria provided, single submitter. Criteria: Invitae Variant Classification Sherloc (09022015). Collection method: clinical testing. Allele origin: germline.
Comment: In summary, the currently available evidence indicates that the variant is pathogenic, but additional data are needed to prove that conclusively. Therefore, this variant has been classified as Likely Pathogenic. This variant is located in the A band of TTN (PMID: 25589632). Truncating variants in this region are significantly overrepresented in patients affected with dilated cardiomyopathy (PMID: 25589632). Truncating variants in this region have also been reported in individuals affected with autosomal recessive centronuclear myopathy (PMID: 23975875). This variant has not been reported in the literature in individuals affected with TTN-related conditions. This variant is not present in population databases (gnomAD no frequency). This sequence change creates a premature translational stop signal (p.Val26336Glyfs*20) in the TTN gene. While this is not anticipated to result in nonsense mediated decay, it is expected to create a truncated TTN protein.

Literature cited by the submitters: PubMed 25589632 (cited by Labcorp Genetics (formerly Invitae), Labcorp); PubMed 23975875 (cited by Labcorp Genetics (formerly Invitae), Labcorp).

NM_001267550.2(TTN):c.79006dup (p.Val26336fs)

Genes: TTN (titin; minus strand), TTN-AS1 (TTN antisense RNA 1; plus strand). Cytogenetic location: 2q31.2.
Variant type: Duplication.
Coding change: c.79006dup on transcript NM_001267550.2 (MANE Select); coding-DNA position 79006, one base duplicated (G; older notation c.79006dupG).
Protein change: p.Val26336fs; shifts the reading frame from valine 26336.
Molecular consequence: frameshift variant.
Genome position (GRCh38, 1-based): chr2:178,567,126, C duplicated on the plus strand (G on the coding strand, the reverse complement: TTN is on the minus strand). VCF-style (leftmost placement, unchanged base first): chr2-178567125-A-AC. GRCh37 (hg19) VCF-style: chr2-179431852-A-AC.
Other names: c.74083dup, p.Val24695fs (NM_001256850.1); c.51811dup, p.Val17271fs (NM_003319.4); c.71302dup, p.Val23768fs (NM_133378.4); c.52186dup, p.Val17396fs (NM_133432.3); c.52387dup, p.Val17463fs (NM_133437.4); short protein forms V17396fs, V23768fs, V17271fs, V17463fs, V24695fs, V26336fs.
Identifiers: ClinVar variation 2950892 (VCV002950892.4), dbSNP rs2468311419, ClinGen allele CA2740096331.